The following is an entry in ClinVar:

NM_014625.4(NPHS2):c.675_678dup (p.Ala227fs)

Gene: NPHS2 (NPHS2 stomatin family member, podocin; minus strand). Cytogenetic location: 1q25.2.
Variant type: Duplication.
Coding change: c.675_678dup on transcript NM_014625.4 (MANE Select); coding-DNA positions 675 to 678, 4 bases duplicated (CCTA; older notation c.675_678dupCCTA).
Protein change: p.Ala227fs; shifts the reading frame from alanine 227.
Molecular consequence: frameshift variant. On other transcripts: intron variant (1).
Genome position (GRCh38, 1-based): chr1:179,557,087-179,557,090, TAGG duplicated on the plus strand (CCTA on the coding strand, the reverse complement: NPHS2 is on the minus strand). VCF-style (leftmost placement, unchanged base first): chr1-179557086-C-CTAGG. GRCh37 (hg19) VCF-style: chr1-179526221-C-CTAGG.
Other names: c.535-2559_535-2556dup (NM_001297575.2); c.675_678dupCCTA (NM_014625.3); short protein forms A227fs.
Identifiers: ClinVar variation 4815733 (VCV004815733.1).
Genomic context (GRCh38, chr1:179,557,086, plus strand): 5'-CCTTTGCATCTTGGGCGATGCTCTTCCTCTCTAGAAGAATTTCAGTGAGGGATCGATGTG[C>CTAGG]TAGGAGACGCTTCATAGTGGTTTGCACAAGGAATTGCACAGCTTTAGATACATGAGCAAG-3'

ClinVar aggregate classification (germline): Likely pathogenic (1 of 4 stars; one submission).

Conditions:
Steroid-resistant nephrotic syndrome. Identifiers: MedGen C0403397, MONDO:0044765, HP:0012588.

Submission:

Natera, Inc.
Classification: Likely pathogenic for Steroid-resistant nephrotic syndrome. Last evaluated: 2024-04-18. Review status: criteria provided, single submitter. Criteria: Natera Variant Classification Schema (03/2026). Collection method: clinical testing. Allele origin: germline.
Comment: The c.675_678dupCCTA variant in NPHS2 is a frameshift variant predicted to shift the reading frame beginning at codon 227 and leads to a stop codon 8 codons downstream. This variant is expected to result in nonsense mediated decay, truncation, or a dysfunctional protein product. This variant is rare in the general population with a frequency below the threshold expected for the associated phenotype(s). Given the available evidence, this variant is classified as Likely Pathogenic.